The following is an entry in ClinVar:

NM_001042646.3(TRAK1):c.2713A>G (p.Ile905Val)

Gene: TRAK1 (trafficking kinesin protein 1; plus strand). Cytogenetic location: 3p22.1.
Variant type: single nucleotide variant.
Coding change: c.2713A>G on transcript NM_001042646.3 (MANE Select); coding-DNA position 2713, A replaced by G.
Protein change: p.Ile905Val; replaces isoleucine 905 with valine.
Molecular consequence: missense variant. On other transcripts: 3 prime UTR variant (1), non-coding transcript variant (1).
Genome position (GRCh38, 1-based): chr3:42,223,588, A>G. VCF-style: chr3-42223588-A-G. GRCh37 (hg19) VCF-style: chr3-42265080-A-G.
Other names: c.2650A>G, p.Ile884Val (NM_001349246.2); c.*667A>G (NM_001349247.2); c.2428A>G, p.Ile810Val (NM_001349248.1); c.2491A>G, p.Ile831Val (NM_001349249.1); c.2539A>G, p.Ile847Val (NM_001410741.1); c.2338A>G, p.Ile780Val (NM_001349245.1); short protein forms I780V, I810V, I831V, I847V, I884V, I905V.
Identifiers: ClinVar variation 4823800 (VCV004823800.4).

ClinVar aggregate classification (germline): Uncertain significance (1 of 4 stars; one submission).

gnomAD v4.1: 3 of 1,613,904 alleles (0.00019%); highest among the groups gnomAD compares: Non-Finnish European, 0.00017%; no homozygotes.

Submission:

CeGaT Center for Human Genetics Tuebingen
Classification: Uncertain significance. Last evaluated: 2026-03-01. Review status: criteria provided, single submitter. Criteria: CeGaT Center For Human Genetics Tuebingen Variant Classification Criteria Version 2. Collection method: clinical testing. Allele origin: germline. Affected: yes. Observed: 1 variant allele.
Comment: TRAK1: PM2, BP4